The following is an entry in ClinVar:

ClinVar aggregate classification (germline): Pathogenic (1 of 4 stars; one submission).

Conditions:
Congenital hyperammonemia, type I. Also called: Carbamoyl phosphate synthetase 1 deficiency; Hyperammonemia due to carbamoyl phosphate synthetase 1 deficiency; CPS 1 deficiency; Carbamyl phosphate synthetase (CPS) deficiency; CPS I DEFICIENCY; Carbamoyl phosphate synthetase I deficiency disease. Identifiers: Orphanet 147, MedGen C4082171, MONDO:0009376, OMIM 237300.

Submission:

Labcorp Genetics (formerly Invitae), Labcorp
Classification: Pathogenic for Congenital hyperammonemia, type I. Last evaluated: 2023-07-24. Review status: criteria provided, single submitter. Criteria: Invitae Variant Classification Sherloc (09022015). Collection method: clinical testing. Allele origin: unknown.
Comment: For these reasons, this variant has been classified as Pathogenic. This variant has not been reported in the literature in individuals affected with CPS1-related conditions. This variant is a gross deletion of the genomic region encompassing exon(s) 1 of the CPS1 gene, which includes the initiator codon. This deletion extends beyond the assayed region for this gene and therefore may encompass additional genes. It is expected to result in an absent or disrupted protein product. Loss-of-function variants in CPS1 are known to be pathogenic (PMID: 21120950).

Literature cited by the submitters: PubMed 21120950.

NC_000002.11:g.(?_211421458)_(211421603_?)del

Gene: CPS1 (carbamoyl-phosphate synthase 1; plus strand). Cytogenetic location: 2q34.
Variant type: Deletion.
Identifiers: ClinVar variation 3247426 (VCV003247426.1).